The following is an entry in ClinVar:

ClinVar aggregate classification (germline): Conflicting classifications of pathogenicity. Review status: criteria provided, conflicting classifications (1 of 4 stars). 5 submissions from 5 submitters: Uncertain significance (4); Likely benign (1). Last evaluated 2026-07-14.

Conditions:
Inborn genetic diseases. Identifiers: MedGen C0950123, MeSH D030342.
PRDM13-related disorder. Also called: PRDM13-related condition.

Allele frequency attached by ClinVar (database versions not stated): ExAC below 0.00001; gnomAD 0.00023 and 0.00026; gnomAD exomes 0.00025 and 0.00028; 1000 Genomes Project 30x 0.00031; TOPMed 0.00033.
gnomAD v4.1: 370 of 1,505,774 alleles (0.025%); highest among the groups gnomAD compares: Admixed American, 0.091%; no homozygotes.

Submissions (5):

PreventionGenetics, part of Exact Sciences
Classification: Uncertain significance for PRDM13-related condition. Last evaluated: 2026-07-14. Review status: criteria provided, single submitter. Criteria: ACMG Guidelines, 2015. Collection method: clinical testing. Allele origin: germline.
Comment: The PRDM13 c.934T>C variant is predicted to result in the amino acid substitution p.Tyr312His. To our knowledge, this variant has not been reported in the literature. This variant is present in 0.082% of alleles in individuals of Latino descent in gnomAD, which may be too common to be an unreported cause of disease. Although we suspect that this variant may be benign, at this time, the clinical significance of this variant is uncertain due to the absence of conclusive functional and genetic evidence.

Labcorp Genetics (formerly Invitae), Labcorp
Classification: Uncertain significance. Last evaluated: 2025-10-20. Review status: criteria provided, single submitter. Criteria: Invitae Variant Classification Sherloc (09022015). Collection method: clinical testing. Allele origin: germline.
Comment: This sequence change replaces tyrosine, which is neutral and polar, with histidine, which is basic and polar, at codon 312 of the PRDM13 protein (p.Tyr312His). This variant is present in population databases (rs779833157, gnomAD 0.07%), and has an allele count higher than expected for a pathogenic variant. This variant has not been reported in the literature in individuals affected with PRDM13-related conditions. ClinVar contains an entry for this variant (Variation ID: 938251). An algorithm developed to predict the effect of missense changes on protein structure and function (PolyPhen-2) suggests that this variant is likely to be disruptive. In summary, the available evidence is currently insufficient to determine the role of this variant in disease. Therefore, it has been classified as a Variant of Uncertain Significance.

Blueprint Genetics
Classification: Likely benign. Last evaluated: 2024-10-14. Review status: criteria provided, single submitter. Criteria: ACMG Guidelines, 2015. Collection method: clinical testing. Allele origin: germline.

Ambry Genetics
Classification: Uncertain significance for Inborn genetic diseases. Last evaluated: 2022-09-14. Review status: criteria provided, single submitter. Criteria: Ambry Variant Classification Scheme 2023. Collection method: clinical testing. Allele origin: germline.

Breakthrough Genomics
Classification: Uncertain significance. Review status: criteria provided, single submitter. Criteria: ACMG Guidelines, 2015. Collection method: not provided. Allele origin: germline. Inheritance: Autosomal recessive inheritance. Affected: yes.

NM_021620.4(PRDM13):c.934T>C (p.Tyr312His)

Gene: PRDM13 (PR/SET domain 13; plus strand). Cytogenetic location: 6q16.2.
Variant type: single nucleotide variant.
Coding change: c.934T>C on transcript NM_021620.4 (MANE Select); coding-DNA position 934, T replaced by C.
Protein change: p.Tyr312His; replaces tyrosine 312 with histidine.
Molecular consequence: missense variant.
Genome position (GRCh38, 1-based): chr6:99,613,569, T>C. VCF-style: chr6-99613569-T-C. GRCh37 (hg19) VCF-style: chr6-100061445-T-C.
Other names: short protein forms Y312H.
Identifiers: ClinVar variation 938251 (VCV000938251.12), dbSNP rs779833157, ClinGen allele CA3936301.
Genomic context (GRCh38, chr6:99,613,569, plus strand): 5'-CGCTCAGCTTTCAAGCCCGCCGGCCTAGCGAGGGCGGCGGCGGCCGCTCACGGCGACCCC[T>C]ACCGGGAGGAGAGCAGCAGCAAGCAAGGAGCCGGCCTCGCTTTGGGCAGGCTGCTGGGCG-3'
Protein context (NP_067633.2, residues 302-322): RAAAAAHGDP[Tyr312His]REESSSKQGA